The following is an entry in ClinVar:

NM_012120.3(CD2AP):c.428_429delinsGC (p.Glu143Gly)

Gene: CD2AP (CD2 associated protein; plus strand). Cytogenetic location: 6p12.3.
Variant type: Indel.
Coding change: c.428_429delinsGC on transcript NM_012120.3 (MANE Select); coding-DNA positions 428 to 429, AA replaced by GC.
Protein change: p.Glu143Gly; replaces glutamic acid 143 with glycine.
Molecular consequence: missense variant.
Genome position (GRCh38, 1-based): chr6:47,554,653-47,554,654, AA replaced by GC. VCF-style: chr6-47554653-AA-GC. GRCh37 (hg19) VCF-style: chr6-47522389-AA-GC.
Other names: short protein forms E143G.
Identifiers: ClinVar variation 3593670 (VCV003593670.3).

ClinVar aggregate classification (germline): Uncertain significance. Review status: criteria provided, multiple submitters, no conflicts (2 of 4 stars). 2 submissions from 2 submitters: Uncertain significance (2). Last evaluated 2025-06-23.

Conditions:
Focal segmental glomerulosclerosis 3, susceptibility to (FSGS3). Identifiers: Orphanet 656, MedGen C1842982, MONDO:0011917, OMIM 607832.

Submissions (2):

Labcorp Genetics (formerly Invitae), Labcorp
Classification: Uncertain significance. Last evaluated: 2025-06-23. Review status: criteria provided, single submitter. Criteria: Invitae Variant Classification Sherloc (09022015). Collection method: clinical testing. Allele origin: germline.
Comment: This sequence change replaces glutamic acid, which is acidic and polar, with glycine, which is neutral and non-polar, at codon 143 of the CD2AP protein (p.Glu143Gly). This variant is present in population databases (no rsID available, gnomAD 0.0004%). This variant has not been reported in the literature in individuals affected with CD2AP-related conditions. ClinVar contains an entry for this variant (Variation ID: 3593670). An algorithm developed to predict the effect of missense changes on protein structure and function (PolyPhen-2) suggests that this variant is likely to be disruptive. In summary, the available evidence is currently insufficient to determine the role of this variant in disease. Therefore, it has been classified as a Variant of Uncertain Significance.

Fulgent Genetics
Classification: Uncertain significance for Focal segmental glomerulosclerosis 3, susceptibility to. Last evaluated: 2024-03-11. Review status: criteria provided, single submitter. Criteria: ACMG Guidelines, 2015. Collection method: clinical testing. Allele origin: germline.